The following is an entry in ClinVar:

ClinVar aggregate classification (germline): Uncertain significance (1 of 4 stars; one submission).

gnomAD v4.1: 2 of 1,614,194 alleles (0.00012%); highest among the groups gnomAD compares: Non-Finnish European, 0.00017%; no homozygotes.

Submission:

Labcorp Genetics (formerly Invitae), Labcorp
Classification: Uncertain significance. Last evaluated: 2025-08-17. Review status: criteria provided, single submitter. Criteria: Invitae Variant Classification Sherloc (09022015). Collection method: clinical testing. Allele origin: germline.
Comment: This sequence change replaces histidine, which is basic and polar, with leucine, which is neutral and non-polar, at codon 1726 of the CDK5RAP2 protein (p.His1726Leu). This variant is present in population databases (rs373833490, gnomAD 0.0009%). This variant has not been reported in the literature in individuals affected with CDK5RAP2-related conditions. An algorithm developed to predict the effect of missense changes on protein structure and function (PolyPhen-2) suggests that this variant is likely to be disruptive. In summary, the available evidence is currently insufficient to determine the role of this variant in disease. Therefore, it has been classified as a Variant of Uncertain Significance.

NM_018249.6(CDK5RAP2):c.5177A>T (p.His1726Leu)

Gene: CDK5RAP2 (CDK5 regulatory subunit associated protein 2; minus strand). Cytogenetic location: 9q33.2.
Variant type: single nucleotide variant.
Coding change: c.5177A>T on transcript NM_018249.6 (MANE Select); coding-DNA position 5177, A replaced by T.
Protein change: p.His1726Leu; replaces histidine 1726 with leucine.
Molecular consequence: missense variant. On other transcripts: non-coding transcript variant (5).
Genome position (GRCh38, 1-based): chr9:120,402,936, T>A on the plus strand (A>T on the coding strand, the complement: CDK5RAP2 is on the minus strand). VCF-style: chr9-120402936-T-A. GRCh37 (hg19) VCF-style: chr9-123165214-T-A.
Other names: c.4940A>T, p.His1647Leu (NM_001011649.3); c.4487A>T, p.His1496Leu (NM_001272039.2); c.5078A>T, p.His1693Leu (NM_001410992.1); c.5081A>T, p.His1694Leu (NM_001410993.1); c.5174A>T, p.His1725Leu (NM_001410994.1); short protein forms H1647L, H1694L, H1725L, H1496L, H1693L, H1726L.
Identifiers: ClinVar variation 4778580 (VCV004778580.1).